The following is an entry in ClinVar:

NM_000262.3(NAGA):c.486del (p.Glu163fs)

Genes: NAGA (alpha-N-acetylgalactosaminidase; minus strand), LOC126863160 (CDK7 strongly-dependent group 2 enhancer GRCh37_chr22:42462918-42464117; plus strand). Cytogenetic location: 22q13.2.
Variant type: Deletion.
Coding change: c.486del on transcript NM_000262.3 (MANE Select); coding-DNA position 486, one base deleted (C; older notation c.486delC).
Protein change: p.Glu163fs; shifts the reading frame from glutamic acid 163.
Molecular consequence: frameshift variant.
Genome position (GRCh38, 1-based): chr22:42,067,129, G deleted on the plus strand (C on the coding strand, the reverse complement: NAGA is on the minus strand); the first of 5 consecutive G bases (chr22:42,067,129-42,067,133); deleting any one gives the same sequence. VCF-style (leftmost placement, unchanged base first): chr22-42067128-CG-C. GRCh37 (hg19) VCF-style: chr22-42463132-CG-C.
Other names: c.486del, p.Glu163fs (NM_001362848.1, NM_001362850.1); short protein forms E163fs.
Identifiers: ClinVar variation 5014726 (VCV005014726.1).
Genomic context (GRCh38, chr22:42,067,128, plus strand): 5'-ACCCTCCCCGTTTGCCTACGTGCCCCAGCCAGCTGCGTAACTCACCCTGGGCCCGCTCCT[CG>C]GGGGTGGAGAAGCAGCCATCCAGCTTGAGCATGTCTACCTTCCACTCGGCGAAGGTCTGA-3'

ClinVar aggregate classification (germline): Pathogenic (1 of 4 stars; one submission).

Conditions:
Alpha-N-acetylgalactosaminidase deficiency. Identifiers: Orphanet 3137, MedGen C5848084, MONDO:0017779.

Submission:

Myriad Genetics, Inc.
Classification: Pathogenic for Alpha-N-acetylgalactosaminidase deficiency. Last evaluated: 2025-07-14. Review status: criteria provided, single submitter. Criteria: Myriad Autosomal Dominant, Autosomal Recessive and X-Linked Classification Criteria (2023). Collection method: clinical testing. Allele origin: unknown.
Comment: NM_000262.2(NAGA):c.486delC(E163Rfs*14) is expected to be pathogenic in the context of NAGA-related disorders. This variant is predicted to lead to an abnormal or absent protein product due to the creation of a premature termination codon in NAGA, a gene where loss-of-function variants are known to be pathogenic. Please note: this variant was assessed in the context of healthy population screening.